The following is an entry in ClinVar:

ClinVar aggregate classification (germline): Uncertain significance (1 of 4 stars; one submission).

Conditions:
Autosomal recessive limb-girdle muscular dystrophy type 2E (LGMDR4). Also called: MUSCULAR DYSTROPHY, LIMB-GIRDLE, AUTOSOMAL RECESSIVE 4. Identifiers: Orphanet 119, MedGen C1858593, MONDO:0011423, OMIM 604286. Disease mechanism: Affects gamma-sarcoglycan and also disrupts the integrity of the entire sarcoglycan complex..

Submission:

Labcorp Genetics (formerly Invitae), Labcorp
Classification: Uncertain significance for Autosomal recessive limb-girdle muscular dystrophy type 2E. Last evaluated: 2022-05-13. Review status: criteria provided, single submitter. Criteria: Invitae Variant Classification Sherloc (09022015). Collection method: clinical testing. Allele origin: germline.
Comment: This sequence change replaces asparagine, which is neutral and polar, with lysine, which is basic and polar, at codon 132 of the SGCB protein (p.Asn132Lys). This variant is not present in population databases (gnomAD no frequency). This variant has not been reported in the literature in individuals affected with SGCB-related conditions. Algorithms developed to predict the effect of missense changes on protein structure and function (SIFT, PolyPhen-2, Align-GVGD) all suggest that this variant is likely to be disruptive. In summary, the available evidence is currently insufficient to determine the role of this variant in disease. Therefore, it has been classified as a Variant of Uncertain Significance.

NM_000232.5(SGCB):c.396T>G (p.Asn132Lys)

Gene: SGCB (sarcoglycan beta; minus strand). Cytogenetic location: 4q12.
Variant type: single nucleotide variant.
Coding change: c.396T>G on transcript NM_000232.5 (MANE Select); coding-DNA position 396, T replaced by G.
Protein change: p.Asn132Lys; replaces asparagine 132 with lysine.
Molecular consequence: missense variant.
Genome position (GRCh38, 1-based): chr4:52,029,711, A>C on the plus strand (T>G on the coding strand, the complement: SGCB is on the minus strand). VCF-style: chr4-52029711-A-C. GRCh37 (hg19) VCF-style: chr4-52895877-A-C.
Other names: short protein forms N132K.
Identifiers: ClinVar variation 1994129 (VCV001994129.1), dbSNP rs2475223524, ClinGen allele CA356877194.
Genomic context (GRCh38, chr4:52,029,711, plus strand): 5'-TTTCTTTCAGTTAATGTGGCAACTTACAGGCTGGTTGTTGCCAGTGATGACCAAATTTTC[A>C]TTTCGCCTTCCTCCTACTGTGCTTTTATAAAGAGGGTGGATCACTCCCATGTCAGATACT-3'
Protein context (NP_000223.1, residues 122-142): LYKSTVGGRR[Asn132Lys]ENLVITGNNQ